The following is an entry in ClinVar:

NM_000018.4(ACADVL):c.883C>T (p.Pro295Ser)

Gene: ACADVL (acyl-CoA dehydrogenase very long chain; plus strand). Cytogenetic location: 17p13.1.
Variant type: single nucleotide variant.
Coding change: c.883C>T on transcript NM_000018.4 (MANE Select); coding-DNA position 883, C replaced by T.
Protein change: p.Pro295Ser; replaces proline 295 with serine.
Molecular consequence: missense variant.
Genome position (GRCh38, 1-based): chr17:7,222,671, C>T. VCF-style: chr17-7222671-C-T. GRCh37 (hg19) VCF-style: chr17-7125990-C-T.
Other names: c.817C>T, p.Pro273Ser (NM_001033859.3); c.952C>T, p.Pro318Ser (NM_001270447.2); c.655C>T, p.Pro219Ser (NM_001270448.2); short protein forms P219S, P295S, P318S, P273S.
Identifiers: ClinVar variation 1764839 (VCV001764839.4), dbSNP rs1327386820, ClinGen allele CA397723894.

ClinVar aggregate classification (germline): Uncertain significance. Review status: criteria provided, multiple submitters, no conflicts (2 of 4 stars). 2 submissions from 2 submitters: Uncertain significance (2). Last evaluated 2022-12-05.

Conditions:
Inborn genetic diseases. Identifiers: MedGen C0950123, MeSH D030342.
Very long chain acyl-CoA dehydrogenase deficiency (ACADVLD). Also called: VLCAD Deficiency; Very Long-Chain Acyl-Coenzyme A Dehydrogenase Deficiency. Identifiers: Orphanet 26793, MedGen C3887523, MONDO:0008723, OMIM 201475.

Allele frequency attached by ClinVar (database versions not stated): gnomAD 0.00001; TOPMed 0.00002.

Submissions (2):

Ambry Genetics
Classification: Uncertain significance for Inborn genetic diseases. Last evaluated: 2022-12-05. Review status: criteria provided, single submitter. Criteria: Ambry Variant Classification Scheme 2023. Collection method: clinical testing. Allele origin: germline.

Labcorp Genetics (formerly Invitae), Labcorp
Classification: Uncertain significance for Very long chain acyl-CoA dehydrogenase deficiency. Last evaluated: 2022-06-07. Review status: criteria provided, single submitter. Criteria: Invitae Variant Classification Sherloc (09022015). Collection method: clinical testing. Allele origin: germline.
Comment: This sequence change replaces proline, which is neutral and non-polar, with serine, which is neutral and polar, at codon 295 of the ACADVL protein (p.Pro295Ser). This variant is present in population databases (no rsID available, gnomAD 0.004%). This variant has not been reported in the literature in individuals affected with ACADVL-related conditions. Algorithms developed to predict the effect of missense changes on protein structure and function (SIFT, PolyPhen-2, Align-GVGD) all suggest that this variant is likely to be tolerated. In summary, the available evidence is currently insufficient to determine the role of this variant in disease. Therefore, it has been classified as a Variant of Uncertain Significance.